The following is an entry in ClinVar:

NM_016203.4(PRKAG2):c.157G>A (p.Glu53Lys)

Gene: PRKAG2 (protein kinase AMP-activated non-catalytic subunit gamma 2; minus strand). Cytogenetic location: 7q36.1.
Variant type: single nucleotide variant.
Coding change: c.157G>A on transcript NM_016203.4 (MANE Select); coding-DNA position 157, G replaced by A.
Protein change: p.Glu53Lys; replaces glutamic acid 53 with lysine.
Molecular consequence: missense variant. On other transcripts: intron variant (1).
Genome position (GRCh38, 1-based): chr7:151,786,499, C>T on the plus strand (G>A on the coding strand, the complement: PRKAG2 is on the minus strand). VCF-style: chr7-151786499-C-T. GRCh37 (hg19) VCF-style: chr7-151483585-C-T.
Other names: c.25G>A, p.Glu9Lys (NM_001040633.2, NM_001407024.1, NM_001407026.1 and 2 more transcripts); c.157G>A, p.Glu53Lys (NM_001407021.1, NM_001407022.1, NM_001407023.1 and 2 more transcripts); c.148+27917G>A (NM_001407032.1); short protein forms E9K, E53K.
Identifiers: ClinVar variation 2702176 (VCV002702176.3), dbSNP rs2077016439, ClinGen allele CA370070036.
Genomic context (GRCh38, chr7:151,786,499, plus strand): 5'-CTGTGAGAAACTTCTGGAAAGGAGGTCTTACCTTTCGAGAGGAATGCTTTCCGGAACCCT[C>T]CAGGTCTCCGTCCAGGAGCGGCATGGCGAAGGAGCTCAGGTCCTAGGGTGGACAGAGAGC-3'
Protein context (NP_057287.2, residues 43-63): FAMPLLDGDL[Glu53Lys]GSGKHSSRKV

ClinVar aggregate classification (germline): Uncertain significance (1 of 4 stars; one submission).

Conditions:
Lethal congenital glycogen storage disease of heart. Also called: GLYCOGEN STORAGE DISEASE OF HEART; PHOSPHORYLASE KINASE DEFICIENCY OF HEART. Identifiers: Orphanet 439854, MedGen C1849813, MONDO:0009867, OMIM 261740.

Submission:

Labcorp Genetics (formerly Invitae), Labcorp
Classification: Uncertain significance for Lethal congenital glycogen storage disease of heart. Last evaluated: 2023-12-11. Review status: criteria provided, single submitter. Criteria: Invitae Variant Classification Sherloc (09022015). Collection method: clinical testing. Allele origin: germline.
Comment: This sequence change replaces glutamic acid, which is acidic and polar, with lysine, which is basic and polar, at codon 53 of the PRKAG2 protein (p.Glu53Lys). This variant is not present in population databases (gnomAD no frequency). This variant has not been reported in the literature in individuals affected with PRKAG2-related conditions. Advanced modeling of protein sequence and biophysical properties (such as structural, functional, and spatial information, amino acid conservation, physicochemical variation, residue mobility, and thermodynamic stability) performed at Invitae indicates that this missense variant is not expected to disrupt PRKAG2 protein function with a negative predictive value of 95%. In summary, the available evidence is currently insufficient to determine the role of this variant in disease. Therefore, it has been classified as a Variant of Uncertain Significance.